The following is an entry in ClinVar:

NM_144499.3(GNAT1):c.117G>T (p.Glu39Asp)

Gene: GNAT1 (G protein subunit alpha transducin 1; plus strand). Cytogenetic location: 3p21.31.
Variant type: single nucleotide variant.
Coding change: c.117G>T on transcript NM_144499.3 (MANE Select); coding-DNA position 117, G replaced by T.
Protein change: p.Glu39Asp; replaces glutamic acid 39 with aspartic acid.
Molecular consequence: missense variant.
Genome position (GRCh38, 1-based): chr3:50,193,143, G>T. VCF-style: chr3-50193143-G-T. GRCh37 (hg19) VCF-style: chr3-50230576-G-T.
Other names: c.117G>T, p.Glu39Asp (NM_000172.4); short protein forms E39D.
Identifiers: ClinVar variation 1009618 (VCV001009618.6), dbSNP rs34797487, ClinGen allele CA352911902.

ClinVar aggregate classification (germline): Uncertain significance. Review status: criteria provided, multiple submitters, no conflicts (2 of 4 stars). 2 submissions from 2 submitters: Uncertain significance (2). Last evaluated 2022-05-01.

Allele frequency attached by ClinVar (database versions not stated): TOPMed 0.00001.
gnomAD v4.1: 1 of 1,613,976 alleles (0.000062%); highest among the groups gnomAD compares: Non-Finnish European, 0.000085%; no homozygotes.

Submissions (2):

Blueprint Genetics
Classification: Uncertain significance. Last evaluated: 2022-05-01. Review status: criteria provided, single submitter. Criteria: ACMG Guidelines, 2015. Collection method: clinical testing. Allele origin: germline.

Labcorp Genetics (formerly Invitae), Labcorp
Classification: Uncertain significance. Last evaluated: 2020-01-02. Review status: criteria provided, single submitter. Criteria: Invitae Variant Classification Sherloc (09022015). Collection method: clinical testing. Allele origin: germline.
Comment: In summary, the available evidence is currently insufficient to determine the role of this variant in disease. Therefore, it has been classified as a Variant of Uncertain Significance. Algorithms developed to predict the effect of missense changes on protein structure and function (SIFT, PolyPhen-2, Align-GVGD) all suggest that this variant is likely to be disruptive, but these predictions have not been confirmed by published functional studies and their clinical significance is uncertain. This variant has not been reported in the literature in individuals with GNAT1-related conditions. This variant is not present in population databases (ExAC no frequency). This sequence change replaces glutamic acid with aspartic acid at codon 39 of the GNAT1 protein (p.Glu39Asp). The glutamic acid residue is highly conserved and there is a small physicochemical difference between glutamic acid and aspartic acid.